The following is an entry in ClinVar:

NM_001113378.2(FANCI):c.3662del (p.Lys1221fs)

Gene: FANCI (FA complementation group I; plus strand). Cytogenetic location: 15q26.1.
Variant type: Deletion.
Coding change: c.3662del on transcript NM_001113378.2 (MANE Select); coding-DNA position 3662, one base deleted (A; older notation c.3662delA).
Protein change: p.Lys1221fs; shifts the reading frame from lysine 1221.
Molecular consequence: frameshift variant.
Genome position (GRCh38, 1-based): chr15:89,312,914, A deleted; the last of 2 consecutive A bases (chr15:89,312,913-89,312,914); deleting either gives the same sequence. VCF-style (leftmost placement, unchanged base first): chr15-89312912-TA-T. GRCh37 (hg19) VCF-style: chr15-89856143-TA-T.
Other names: c.3383del, p.Lys1128fs (NM_001376910.1); c.3662del, p.Lys1221fs (NM_001376911.1); c.3482del, p.Lys1161fs (NM_018193.3); c.3662delA (NM_001113378.1); short protein forms K1221fs, K1161fs, K1128fs.
Identifiers: ClinVar variation 581414 (VCV000581414.8), dbSNP rs1567179036, ClinGen allele CA891843539.

ClinVar aggregate classification (germline): Pathogenic/Likely pathogenic. Review status: criteria provided, multiple submitters, no conflicts (2 of 4 stars). 2 submissions from 2 submitters: Pathogenic (1); Likely pathogenic (1). Last evaluated 2024-03-20.

Conditions:
Fanconi anemia (FA). Also called: Fanconi's anemia. Identifiers: Orphanet 84, MedGen C0015625, MeSH D005199, MONDO:0019391.
Fanconi anemia complementation group I (FANCI). Also called: FANCI-Related Fanconi Anemia. Identifiers: Orphanet 84, MedGen C1836861, MONDO:0012186, OMIM 609053.

Submissions (2):

Baylor Genetics
Classification: Likely pathogenic for Fanconi anemia complementation group I. Last evaluated: 2024-03-20. Review status: criteria provided, single submitter. Criteria: ACMG Guidelines, 2015. Collection method: clinical testing. Allele origin: unknown.

Labcorp Genetics (formerly Invitae), Labcorp
Classification: Pathogenic for Fanconi anemia. Last evaluated: 2024-02-24. Review status: criteria provided, single submitter. Criteria: Invitae Variant Classification Sherloc (09022015). Collection method: clinical testing. Allele origin: germline.
Comment: This sequence change creates a premature translational stop signal (p.Lys1221Argfs*3) in the FANCI gene. It is expected to result in an absent or disrupted protein product. Loss-of-function variants in FANCI are known to be pathogenic (PMID: 17452773, 17460694). This variant is not present in population databases (gnomAD no frequency). This variant has not been reported in the literature in individuals affected with FANCI-related conditions. ClinVar contains an entry for this variant (Variation ID: 581414). For these reasons, this variant has been classified as Pathogenic.

Literature cited by the submitters: PubMed 17452773 (cited by Labcorp Genetics (formerly Invitae), Labcorp); PubMed 17460694 (cited by Labcorp Genetics (formerly Invitae), Labcorp).